The following is an entry in ClinVar:

ClinVar aggregate classification (germline): Uncertain significance. Review status: criteria provided, multiple submitters, no conflicts (2 of 4 stars). 4 submissions from 4 submitters: Uncertain significance (4). Last evaluated 2025-10-02.

Conditions:
Neuromuscular disease caused by qualitative or quantitative defects of dysferlin. Also called: Dysferlinopathy; Qualitative or quantitative defects of dysferlin. Identifiers: Orphanet 207073, MedGen C2931687, MONDO:0016145.
Inborn genetic diseases. Identifiers: MedGen C0950123, MeSH D030342.

Allele frequency attached by ClinVar (database versions not stated): TOPMed 0.00002; gnomAD 0.00003; gnomAD exomes below 0.00001 and 0.00001; ExAC 0.00001; ESP Exome Variant Server 0.00008.
gnomAD v4.1: 9 of 1,614,074 alleles (0.00056%); highest among the groups gnomAD compares: Non-Finnish European, 0.00068%; no homozygotes.

Submissions (4):

Labcorp Genetics (formerly Invitae), Labcorp
Classification: Uncertain significance for Neuromuscular disease caused by qualitative or quantitative defects of dysferlin. Last evaluated: 2025-10-02. Review status: criteria provided, single submitter. Criteria: Invitae Variant Classification Sherloc (09022015). Collection method: clinical testing. Allele origin: germline.
Comment: This sequence change replaces leucine, which is neutral and non-polar, with proline, which is neutral and non-polar, at codon 213 of the DYSF protein (p.Leu213Pro). This variant is present in population databases (rs148739795, gnomAD 0.002%). This variant has not been reported in the literature in individuals affected with DYSF-related conditions. ClinVar contains an entry for this variant (Variation ID: 1359794). Invitae Evidence Modeling of protein sequence and biophysical properties (such as structural, functional, and spatial information, amino acid conservation, physicochemical variation, residue mobility, and thermodynamic stability) indicates that this missense variant is not expected to disrupt DYSF protein function with a negative predictive value of 95%. In summary, the available evidence is currently insufficient to determine the role of this variant in disease. Therefore, it has been classified as a Variant of Uncertain Significance.

Ambry Genetics
Classification: Uncertain significance for Inborn genetic diseases. Last evaluated: 2025-08-27. Review status: criteria provided, single submitter. Criteria: Ambry Variant Classification Scheme 2023. Collection method: clinical testing. Allele origin: germline.

CeGaT Center for Human Genetics Tuebingen
Classification: Uncertain significance. Last evaluated: 2023-07-01. Review status: criteria provided, single submitter. Criteria: CeGaT Center For Human Genetics Tuebingen Variant Classification Criteria Version 2. Collection method: clinical testing. Allele origin: germline. Affected: yes. Observed: 1 variant allele.
Comment: DYSF: PM2

Revvity Omics, Revvity
Classification: Uncertain significance. Last evaluated: 2022-03-31. Review status: criteria provided, single submitter. Criteria: ACMG Guidelines, 2015. Collection method: clinical testing. Allele origin: germline.

NM_001130987.2(DYSF):c.734T>C (p.Leu245Pro)

Gene: DYSF (dysferlin; plus strand). Cytogenetic location: 2p13.2.
Variant type: single nucleotide variant.
Coding change: c.734T>C on transcript NM_001130987.2 (MANE Select); coding-DNA position 734, T replaced by C.
Protein change: p.Leu245Pro; replaces leucine 245 with proline.
Molecular consequence: missense variant.
Genome position (GRCh38, 1-based): chr2:71,513,896, T>C. VCF-style: chr2-71513896-T-C. GRCh37 (hg19) VCF-style: chr2-71741026-T-C.
Other names: c.641T>C, p.Leu214Pro (NM_001130455.2, NM_001130983.2, NM_001130984.2 and 1 more transcripts); c.638T>C, p.Leu213Pro (NM_001130976.2, NM_001130977.2, NM_001130978.2 and 1 more transcripts); c.731T>C, p.Leu244Pro (NM_001130979.2, NM_001130980.2, NM_001130981.2); c.734T>C, p.Leu245Pro (NM_001130982.2, NM_001130985.2); c.638T>C (NM_003494.3); short protein forms L214P, L245P, L244P, L213P.
Identifiers: ClinVar variation 1359794 (VCV001359794.34), dbSNP rs148739795, ClinGen allele CA1705430.
Genomic context (GRCh38, chr2:71,513,896, plus strand): 5'-CTCCGCCCCACTACCCCGGGATCAAAAGAAAGCGAAGTGCGCCTACATCTAGAAAGCTGC[T>C]GTCAGACAAACCGCAGGATTTCCAGGTGATGAACGGGCTTTCTCTGACCCCAGGCTCCTC-3'
Protein context (NP_001124459.1, residues 235-255): KRSAPTSRKL[Leu245Pro]SDKPQDFQIR